The following is an entry in ClinVar:

NM_005802.5(TOPORS):c.29C>A (p.Pro10Gln)

Gene: TOPORS (TOP1 binding arginine/serine rich protein, E3 ubiquitin ligase; minus strand). Cytogenetic location: 9p21.1.
Variant type: single nucleotide variant.
Coding change: c.29C>A on transcript NM_005802.5 (MANE Select); coding-DNA position 29, C replaced by A.
Protein change: p.Pro10Gln; replaces proline 10 with glutamine.
Molecular consequence: missense variant. On other transcripts: intron variant (1).
Genome position (GRCh38, 1-based): chr9:32,550,943, G>T on the plus strand (C>A on the coding strand, the complement: TOPORS is on the minus strand). VCF-style: chr9-32550943-G-T. GRCh37 (hg19) VCF-style: chr9-32550941-G-T.
Other names: c.3+1491C>A (NM_001195622.2); short protein forms P10Q.
Identifiers: ClinVar variation 981063 (VCV000981063.12), dbSNP rs777171069, ClinGen allele CA5020746.

ClinVar aggregate classification (germline): Conflicting classifications of pathogenicity. Review status: criteria provided, conflicting classifications (1 of 4 stars). 5 submissions from 5 submitters: Likely pathogenic (2); Uncertain significance (3). Last evaluated 2025-07-08.

Conditions:
TOPORS-related disorder. Also called: TOPORS-related condition.

Allele frequency attached by ClinVar (database versions not stated): TOPMed 0.00002.
gnomAD v4.1: 31 of 1,612,020 alleles (0.0019%); highest among the groups gnomAD compares: Admixed American, 0.01%; no homozygotes.

Submissions (5):

PreventionGenetics, part of Exact Sciences
Classification: Likely pathogenic for TOPORS-related condition. Last evaluated: 2025-07-08. Review status: criteria provided, single submitter. Criteria: ACMG Guidelines, 2015. Collection method: clinical testing. Allele origin: germline.
Comment: The TOPORS c.29C>A variant is predicted to result in the amino acid substitution p.Pro10Gln. This variant was reported in the homozygous state in at least two unrelated individuals with oral-facial-digital syndrome (Strong et al. 2021. PubMed ID: 34132027; Strong et al. 2023. PubMed ID: 37227088). This variant is reported in 0.0029% of alleles in individuals of Latino descent in gnomAD. This variant is interpreted as likely pathogenic for autosomal recessive disease, but remains uncertain for autosomal dominant disease.

Labcorp Genetics (formerly Invitae), Labcorp
Classification: Uncertain significance. Last evaluated: 2024-07-11. Review status: criteria provided, single submitter. Criteria: Invitae Variant Classification Sherloc (09022015). Collection method: clinical testing. Allele origin: germline.
Comment: This sequence change replaces proline, which is neutral and non-polar, with glutamine, which is neutral and polar, at codon 10 of the TOPORS protein (p.Pro10Gln). The frequency data for this variant in the population databases is considered unreliable, as metrics indicate poor data quality at this position in the gnomAD database. This missense change has been observed in individual(s) with clinical features of oral-facial-digital syndrome or Joubert syndrome (PMID: 34132027, 37227088). ClinVar contains an entry for this variant (Variation ID: 981063). An algorithm developed to predict the effect of missense changes on protein structure and function (PolyPhen-2) suggests that this variant is likely to be disruptive. In summary, the available evidence is currently insufficient to determine the role of this variant in disease. Therefore, it has been classified as a Variant of Uncertain Significance.

Blueprint Genetics
Classification: Likely pathogenic for TOPORS-related disorders. Last evaluated: 2024-03-16. Review status: criteria provided, single submitter. Criteria: ACMG Guidelines, 2015. Collection method: clinical testing. Allele origin: germline. Affected: yes. Observed: 4 variant alleles.

GeneDx
Classification: Uncertain significance. Last evaluated: 2022-12-08. Review status: criteria provided, single submitter. Criteria: GeneDx Variant Classification Process June 2021. Collection method: clinical testing. Allele origin: germline. Affected: yes.
Comment: Identified in the homozygous state in two unrelated individuals with oral-facial-digital syndrome (Strong et al., 2021), and not observed in the homozygous state in controls; Not observed at significant frequency in large population cohorts (gnomAD); In silico analysis supports that this missense variant does not alter protein structure/function; This variant is associated with the following publications: (PMID: 34132027)

Women's Health and Genetics/Laboratory Corporation of America, LabCorp
Classification: Uncertain significance. Last evaluated: 2020-09-09. Review status: criteria provided, single submitter. Criteria: LabCorp Variant Classification Summary - May 2015. Collection method: clinical testing. Allele origin: germline.
Comment: Variant summary: TOPORS c.29C>A (p.Pro10Gln) results in a non-conservative amino acid change in the encoded protein sequence. Three of five in-silico tools predict a benign effect of the variant on protein function. The variant allele was found at a frequency of 8.3e-06 in 239954 control chromosomes. The available data on variant occurrences in the general population are insufficient to allow any conclusion about variant significance. To our knowledge, no occurrence of c.29C>A in individuals affected with TOPORS-Related Disorders and no experimental evidence demonstrating its impact on protein function have been reported. No clinical diagnostic laboratories have submitted clinical-significance assessments for this variant to ClinVar after 2014. Based on the evidence outlined above, the variant was classified as uncertain significance.

Literature cited by the submitters: PubMed 34132027 (cited by Labcorp Genetics (formerly Invitae), Labcorp); PubMed 37227088 (cited by Labcorp Genetics (formerly Invitae), Labcorp).